The following is an entry in ClinVar:

NM_052947.4(ALPK2):c.2208C>A (p.Asp736Glu)

Gene: ALPK2 (alpha kinase 2; minus strand). Cytogenetic location: 18q21.31.
Variant type: single nucleotide variant.
Coding change: c.2208C>A on transcript NM_052947.4 (MANE Select); coding-DNA position 2208, C replaced by A.
Protein change: p.Asp736Glu; replaces aspartic acid 736 with glutamic acid.
Molecular consequence: missense variant.
Genome position (GRCh38, 1-based): chr18:58,537,979, G>T on the plus strand (C>A on the coding strand, the complement: ALPK2 is on the minus strand). VCF-style: chr18-58537979-G-T. GRCh37 (hg19) VCF-style: chr18-56205211-G-T.
Other names: short protein forms D736E.
Identifiers: ClinVar variation 2560584 (VCV002560584.2), dbSNP rs777001151, ClinGen allele CA8977108.

ClinVar aggregate classification (germline): Uncertain significance (1 of 4 stars; one submission).

Allele frequency attached by ClinVar (database versions not stated): ExAC 0.00001.
gnomAD v4.1: 3 of 1,614,160 alleles (0.00019%); highest among the groups gnomAD compares: East Asian, 0.0067%; no homozygotes.

Submission:

Ambry Genetics
Classification: Uncertain significance. Last evaluated: 2023-05-28. Review status: criteria provided, single submitter. Criteria: Ambry Variant Classification Scheme 2023. Collection method: clinical testing. Allele origin: germline.
Comment: The p.D736E variant (also known as c.2208C>A), located in coding exon 4 of the ALPK2 gene, results from a C to A substitution at nucleotide position 2208. The aspartic acid at codon 736 is replaced by glutamic acid, an amino acid with highly similar properties. This amino acid position is conserved. In addition, this alteration is predicted to be tolerated by in silico analysis. Since supporting evidence is limited at this time, the clinical significance of this alteration remains unclear.